The following is an entry in ClinVar:

NM_173598.6(KSR2):c.775dup (p.Arg259fs)

Gene: KSR2 (kinase suppressor of ras 2; minus strand). Cytogenetic location: 12q24.23.
Variant type: Duplication.
Coding change: c.775dup on transcript NM_173598.6 (MANE Select); coding-DNA position 775, one base duplicated (C; older notation c.775dupC).
Protein change: p.Arg259fs; shifts the reading frame from arginine 259.
Molecular consequence: frameshift variant.
Genome position (GRCh38, 1-based): chr12:117,761,222, G duplicated on the plus strand (C on the coding strand, the reverse complement: KSR2 is on the minus strand); the first of 2 consecutive G bases (chr12:117,761,222-117,761,223); duplicating either gives the same sequence. VCF-style (leftmost placement, unchanged base first): chr12-117761221-C-CG. GRCh37 (hg19) VCF-style: chr12-118199026-C-CG.
Other names: short protein forms R259fs.
Identifiers: ClinVar variation 4998384 (VCV004998384.1).
Genomic context (GRCh38, chr12:117,761,221, plus strand): 5'-ATGGGCGGCGTGCCCGGCGGGGTCACGGTGGTGACGATGTTGGGGGTGCGCGGCGGGGTG[C>CG]GGACCGCGTGCCGCTGCCGGGGCGATGGGGGCAGGGAACGGTGGCCCGACTCCAGTGGCG-3'

ClinVar aggregate classification (germline): Uncertain significance (1 of 4 stars; one submission).

Conditions:
KSR2-related disorder. Also called: KSR2-related condition.

Submission:

PreventionGenetics, part of Exact Sciences
Classification: Uncertain significance for KSR2-related condition. Last evaluated: 2025-05-08. Review status: criteria provided, single submitter. Criteria: ACMG Guidelines, 2015. Collection method: clinical testing. Allele origin: germline.
Comment: The KSR2 c.688dupC variant is predicted to result in a frameshift and premature protein termination (p.Arg230Profs*127). To our knowledge, this variant has not been reported in the literature or in a large population database (gnomAD), indicating this variant is rare. Although we suspect that this variant may be pathogenic, at this time, the clinical significance of this variant is uncertain due to the absence of conclusive functional and genetic evidence.